The following is an entry in ClinVar:

NM_018026.4(PACS1):c.1533G>T (p.Thr511=)

Gene: PACS1 (phosphofurin acidic cluster sorting protein 1; plus strand). Cytogenetic location: 11q13.2.
Variant type: single nucleotide variant.
Coding change: c.1533G>T on transcript NM_018026.4 (MANE Select); coding-DNA position 1533, G replaced by T.
Protein change: p.Thr511=; no amino-acid change (threonine 511 retained).
Molecular consequence: synonymous variant.
Genome position (GRCh38, 1-based): chr11:66,230,847, G>T. VCF-style: chr11-66230847-G-T. GRCh37 (hg19) VCF-style: chr11-65998318-G-T.
Other names: c.1533G>T (NM_018026.3).
Identifiers: ClinVar variation 3671007 (VCV003671007.3).

ClinVar aggregate classification (germline): Likely benign. Review status: criteria provided, multiple submitters, no conflicts (2 of 4 stars). 2 submissions from 2 submitters: Likely benign (2). Last evaluated 2026-01-13.

Conditions:
Schuurs-Hoeijmakers syndrome. Also called: PACS1-Related Neurodevelopmental Disorder. Identifiers: Orphanet 329224, MedGen C3554343, MONDO:0014006, OMIM 615009.
PACS1-related disorder. Also called: PACS1-related condition.

gnomAD v4.1: 2 of 1,614,150 alleles (0.00012%); highest among the groups gnomAD compares: Admixed American, 0.0017%; no homozygotes.

Submissions (2):

PreventionGenetics, part of Exact Sciences
Classification: Likely benign for PACS1-related condition. Last evaluated: 2026-01-13. Review status: criteria provided, single submitter. Criteria: ACMG Guidelines, 2015. Collection method: clinical testing. Allele origin: germline.
Comment: This variant is classified as likely benign based on ACMG/AMP sequence variant interpretation guidelines (Richards et al. 2015 PMID: 25741868, with internal and published modifications).

Labcorp Genetics (formerly Invitae), Labcorp
Classification: Likely benign for Schuurs-Hoeijmakers syndrome. Last evaluated: 2024-03-06. Review status: criteria provided, single submitter. Criteria: Invitae Variant Classification Sherloc (09022015). Collection method: clinical testing. Allele origin: germline.